The following is an entry in ClinVar:

NM_007078.3(LDB3):c.1925C>A (p.Pro642His)

Gene: LDB3 (LIM domain binding 3; plus strand). Cytogenetic location: 10q23.2.
Variant type: single nucleotide variant.
Coding change: c.1925C>A on transcript NM_007078.3 (MANE Select); coding-DNA position 1925, C replaced by A.
Protein change: p.Pro642His; replaces proline 642 with histidine.
Molecular consequence: missense variant.
Genome position (GRCh38, 1-based): chr10:86,718,794, C>A. VCF-style: chr10-86718794-C-A. GRCh37 (hg19) VCF-style: chr10-88478551-C-A.
Other names: c.1595C>A, p.Pro532His (NM_001080114.2); c.1940C>A, p.Pro647His (NM_001171610.2); c.1736C>A, p.Pro579His (NM_001368064.1, NM_001368065.1); c.1784C>A, p.Pro595His (NM_001368066.1); short protein forms P579H, P642H, P647H, P532H, P595H.
Identifiers: ClinVar variation 4690901 (VCV004690901.1).
Genomic context (GRCh38, chr10:86,718,794, plus strand): 5'-TGCATGCCTTGAGACAGACATGGCACACCACCTGCTTCGTCTGTGCGGCCTGCAAGAAGC[C>A]TTTTGGGAACAGCCTCTTCCACATGGAAGACGGGGAGCCCTACTGCGAGAAAGGTAGGAA-3'
Protein context (NP_009009.1, residues 632-652): TCFVCAACKK[Pro642His]FGNSLFHMED

ClinVar aggregate classification (germline): Uncertain significance (1 of 4 stars; one submission).

Conditions:
Myofibrillar myopathy 4. Also called: Zaspopathy (type). Identifiers: Orphanet 98912, MedGen C4721886, MONDO:0012277, OMIM 609452.

Submission:

Labcorp Genetics (formerly Invitae), Labcorp
Classification: Uncertain significance for Myofibrillar myopathy 4. Last evaluated: 2025-10-18. Review status: criteria provided, single submitter. Criteria: Invitae Variant Classification Sherloc (09022015). Collection method: clinical testing. Allele origin: germline.
Comment: The LDB3 gene has multiple clinically relevant transcripts. This variant occurs in alternate transcript NM_007078.3, and corresponds to NM_001080116.1:c.*19420C>A in the primary transcript. This sequence change replaces proline, which is neutral and non-polar, with histidine, which is basic and polar, at codon 642 of the LDB3 protein (p.Pro642His). This variant is not present in population databases (gnomAD no frequency). This variant has not been reported in the literature in individuals affected with LDB3-related conditions. Experimental studies and prediction algorithms are not available or were not evaluated, and the functional significance of this variant is currently unknown. In summary, the available evidence is currently insufficient to determine the role of this variant in disease. Therefore, it has been classified as a Variant of Uncertain Significance.